The following is an entry in ClinVar:

NM_000179.3(MSH6):c.1308C>T (p.Tyr436=)

Gene: MSH6 (mutS homolog 6; plus strand). Cytogenetic location: 2p16.3.
Variant type: single nucleotide variant.
Coding change: c.1308C>T on transcript NM_000179.3 (MANE Select); coding-DNA position 1308, C replaced by T.
Protein change: p.Tyr436=; no amino-acid change (tyrosine 436 retained).
Molecular consequence: synonymous variant.
Genome position (GRCh38, 1-based): chr2:47,799,291, C>T. VCF-style: chr2-47799291-C-T. GRCh37 (hg19) VCF-style: chr2-48026430-C-T.
Other names: c.918C>T, p.Tyr306= (NM_001281492.2); c.402C>T, p.Tyr134= (NM_001281493.2, NM_001281494.2).
Identifiers: ClinVar variation 380336 (VCV000380336.24), dbSNP rs761037236, ClinGen allele CA067475.

ClinVar aggregate classification (germline): Benign/Likely benign. Review status: criteria provided, multiple submitters, no conflicts (2 of 4 stars). 7 submissions from 7 submitters: Benign (1); Likely benign (6). Last evaluated 2025-02-17.

Conditions:
Hereditary cancer-predisposing syndrome. Also called: Tumor predisposition; Neoplastic Syndromes, Hereditary; Hereditary neoplastic syndrome; Hereditary Cancer Syndrome. Identifiers: Orphanet 140162, MedGen C0027672, MeSH D009386, MONDO:0015356.
Lynch syndrome 5 (LYNCH5). Also called: Hereditary non-polyposis colorectal cancer, type 5; Colorectal cancer, hereditary nonpolyposis, type 5. Identifiers: Orphanet 144, MedGen C1833477, MONDO:0013710, OMIM 614350. Disease mechanism: loss of function.
Hereditary nonpolyposis colorectal neoplasms. Identifiers: MedGen C0009405, MeSH D003123.

Allele frequency attached by ClinVar (database versions not stated): gnomAD exomes below 0.00001; ExAC 0.00001; TOPMed 0.00001; gnomAD 0.00002.
gnomAD v4.1: 5 of 1,613,826 alleles (0.00031%); highest among the groups gnomAD compares: Admixed American, 0.0017%; no homozygotes.

Submissions (7):

Labcorp Genetics (formerly Invitae), Labcorp
Classification: Likely benign for Hereditary nonpolyposis colorectal neoplasms. Last evaluated: 2025-02-17. Review status: criteria provided, single submitter. Criteria: Invitae Variant Classification Sherloc (09022015). Collection method: clinical testing. Allele origin: germline.

Myriad Genetics, Inc.
Classification: Benign for Lynch syndrome 5. Last evaluated: 2024-12-26. Review status: criteria provided, single submitter. Criteria: Myriad Autosomal Dominant, Autosomal Recessive and X-Linked Classification Criteria (2023). Collection method: clinical testing. Allele origin: unknown.
Comment: This variant is considered benign. This variant is a silent/synonymous amino acid change and it is not expected to impact splicing.

Women's Health and Genetics/Laboratory Corporation of America, LabCorp
Classification: Likely benign. Last evaluated: 2023-12-03. Review status: criteria provided, single submitter. Criteria: LabCorp Variant Classification Summary - May 2015. Collection method: clinical testing. Allele origin: germline.

Blueprint Genetics
Classification: Likely benign. Last evaluated: 2023-05-26. Review status: criteria provided, single submitter. Criteria: ACMG Guidelines, 2015. Collection method: clinical testing. Allele origin: germline.

Color Diagnostics, LLC DBA Color Health
Classification: Likely benign for Hereditary cancer-predisposing syndrome. Last evaluated: 2021-10-04. Review status: criteria provided, single submitter. Criteria: ACMG Guidelines, 2015. Collection method: clinical testing. Allele origin: germline.

GeneDx
Classification: Likely benign. Last evaluated: 2019-01-16. Review status: criteria provided, single submitter. Criteria: GeneDx Variant Classification Process June 2021. Collection method: clinical testing. Allele origin: germline. Affected: yes.

Ambry Genetics
Classification: Likely benign for Hereditary cancer-predisposing syndrome. Last evaluated: 2019-01-03. Review status: criteria provided, single submitter. Criteria: Ambry Variant Classification Scheme 2023. Collection method: clinical testing. Allele origin: germline.